The following is an entry in ClinVar:

ClinVar aggregate classification (germline): Benign/Likely benign. Review status: criteria provided, multiple submitters, no conflicts (2 of 4 stars). 2 submissions from 2 submitters: Benign (1); Likely benign (1). Last evaluated 2025-05-06.

Conditions:
Hypogonadotropic hypogonadism 1 with or without anosmia (HH1). Also called: HYPOGONADOTROPIC HYPOGONADISM AND ANOSMIA; Kallmann syndrome, type 1, X-linked; DYSPLASIA OLFACTOGENITALIS OF DE MORSIER; HYPOGONADOTROPIC HYPOGONADISM 1 WITH ANOSMIA; KAL1-Related GnRH Deficiency (Kallmann Syndrome 1; Kallmann Syndrome, X-Linked); Hypogonadotropic hypogonadism 1 with or without anosmia (Kallmann syndrome 1). Identifiers: Orphanet 478, MedGen C1563719, MONDO:0010635, OMIM 308700. Disease mechanism: loss of function.

Allele frequency attached by ClinVar (database versions not stated): TOPMed 0.00004; ExAC 0.00011; gnomAD 0.00011; 1000 Genomes Project 0.00053; 1000 Genomes Project 30x 0.00083.
gnomAD v4.1: 95 of 1,208,985 alleles (0.0079%); highest among the groups gnomAD compares: South Asian, 0.12%; no homozygotes.

Submissions (2):

Labcorp Genetics (formerly Invitae), Labcorp
Classification: Benign for Hypogonadotropic hypogonadism 1 with or without anosmia. Last evaluated: 2025-05-06. Review status: criteria provided, single submitter. Criteria: Invitae Variant Classification Sherloc (09022015). Collection method: clinical testing. Allele origin: germline.

CeGaT Center for Human Genetics Tuebingen
Classification: Likely benign. Last evaluated: 2022-07-01. Review status: criteria provided, single submitter. Criteria: CeGaT Center For Human Genetics Tuebingen Variant Classification Criteria Version 2. Collection method: clinical testing. Allele origin: germline. Affected: yes. Observed: 1 variant allele.
Comment: ANOS1: BP4, BP7

NM_000216.4(ANOS1):c.963G>A (p.Pro321=)

Gene: ANOS1 (anosmin 1; minus strand). Cytogenetic location: Xp22.31.
Variant type: single nucleotide variant.
Coding change: c.963G>A on transcript NM_000216.4 (MANE Select); coding-DNA position 963, G replaced by A.
Protein change: p.Pro321=; no amino-acid change (proline 321 retained).
Molecular consequence: synonymous variant.
Genome position (GRCh38, 1-based): chrX:8,570,598, C>T on the plus strand (G>A on the coding strand, the complement: ANOS1 is on the minus strand). VCF-style: chrX-8570598-C-T. GRCh37 (hg19) VCF-style: chrX-8538639-C-T.
Identifiers: ClinVar variation 2659946 (VCV002659946.27), dbSNP rs555915218, ClinGen allele CA10343714.